The following is an entry in ClinVar:

ClinVar aggregate classification (germline): Uncertain significance (1 of 4 stars; one submission).

Conditions:
Renal cell carcinoma. Identifiers: Orphanet 217071, MedGen C0007134, MeSH D002292, MONDO:0005086, HP:0005584.

Submission:

Labcorp Genetics (formerly Invitae), Labcorp
Classification: Uncertain significance for Renal cell carcinoma. Last evaluated: 2024-04-23. Review status: criteria provided, single submitter. Criteria: Invitae Variant Classification Sherloc (09022015). Collection method: clinical testing. Allele origin: germline.
Comment: This sequence change replaces tyrosine, which is neutral and polar, with histidine, which is basic and polar, at codon 1383 of the MET protein (p.Tyr1383His). Information on the frequency of this variant in the gnomAD database is not available, as this variant may be reported differently in the database. This variant has not been reported in the literature in individuals affected with MET-related conditions. ClinVar contains an entry for this variant (Variation ID: 1487420). Experimental studies and prediction algorithms are not available or were not evaluated, and the functional significance of this variant is currently unknown. In summary, the available evidence is currently insufficient to determine the role of this variant in disease. Therefore, it has been classified as a Variant of Uncertain Significance.

NM_000245.4(MET):c.4092_4093inv (p.Tyr1365His)

Gene: MET (MET proto-oncogene, receptor tyrosine kinase; plus strand). Cytogenetic location: 7q31.2.
Variant type: Inversion.
Coding change: c.4092_4093inv on transcript NM_000245.4 (MANE Select).
Protein change: p.Tyr1365His; replaces tyrosine 1365 with histidine.
Molecular consequence: missense variant.
Genome position: GRCh38 VCF-style: chr7-116796043-GT-AC. GRCh37 (hg19) VCF-style: chr7-116436097-GT-AC.
Other names: c.4146_4147inv, p.Tyr1383His (NM_001127500.3); c.2802_2803inv, p.Tyr935His (NM_001324402.2); short protein forms Y935H, Y1365H, Y1383H.
Identifiers: ClinVar variation 1487420 (VCV001487420.5), ClinGen allele CA2573141525.